The following is an entry in ClinVar:

ClinVar aggregate classification (germline): Pathogenic (1 of 4 stars; one submission).

Conditions:
Nemaline myopathy 2 (NEM2). Also called: Nemaline myopathy 2, autosomal recessive. Identifiers: MedGen C1850569, MONDO:0009725, OMIM 256030.

Submission:

Labcorp Genetics (formerly Invitae), Labcorp
Classification: Pathogenic for Nemaline myopathy 2. Last evaluated: 2023-08-31. Review status: criteria provided, single submitter. Criteria: Invitae Variant Classification Sherloc (09022015). Collection method: clinical testing. Allele origin: germline.
Comment: For these reasons, this variant has been classified as Pathogenic. This variant has not been reported in the literature in individuals affected with NEB-related conditions. This variant is not present in population databases (gnomAD no frequency). This sequence change creates a premature translational stop signal (p.Ser6139Phefs*23) in the NEB gene. It is expected to result in an absent or disrupted protein product. Loss-of-function variants in NEB are known to be pathogenic (PMID: 25205138).

Literature cited by the submitters: PubMed 25205138.

NM_001164508.2(NEB):c.18415dup (p.Ser6139fs)

Gene: NEB (nebulin; minus strand). Cytogenetic location: 2q23.3.
Variant type: Duplication.
Coding change: c.18415dup on transcript NM_001164508.2 (MANE Select); coding-DNA position 18415, one base duplicated (T; older notation c.18415dupT).
Protein change: p.Ser6139fs; shifts the reading frame from serine 6139.
Molecular consequence: frameshift variant.
Genome position (GRCh38, 1-based): chr2:151,565,100, A duplicated on the plus strand (T on the coding strand, the reverse complement: NEB is on the minus strand); the first of 4 consecutive A bases (chr2:151,565,100-151,565,103); duplicating any one gives the same sequence. VCF-style (leftmost placement, unchanged base first): chr2-151565099-G-GA. GRCh37 (hg19) VCF-style: chr2-152421613-G-GA.
Other names: c.18415dup, p.Ser6139fs (NM_001164507.2, NM_001271208.2); c.13312dup, p.Ser4438fs (NM_004543.5); short protein forms S6139fs, S4438fs.
Identifiers: ClinVar variation 2866933 (VCV002866933.3), dbSNP rs2552192235, ClinGen allele CA2739271324.
Genomic context (GRCh38, chr2:151,565,099, plus strand): 5'-CTTACAGTACTGTAGAGTTTTCCCATGTCTTTGGAGTGGGAGATATGTGGTGTATCTGGT[G>GA]AAAACGTATATTTGCCCTTTGCTTTATTAAATGTTTCTTTATATTTTACCTAAGGAGAGA-3'